The following is an entry in ClinVar:

ClinVar aggregate classification (germline): Uncertain significance (1 of 4 stars; one submission).

Submission:

GeneDx
Classification: Uncertain significance. Last evaluated: 2019-10-10. Review status: criteria provided, single submitter. Criteria: GeneDx Variant Classification Process June 2021. Collection method: clinical testing. Allele origin: germline. Affected: yes.
Comment: Not observed in large population cohorts (Lek et al., 2016); In silico analysis, which includes protein predictors and evolutionary conservation, supports that this variant does not alter protein structure/function; Has not been previously published as pathogenic or benign to our knowledge

NM_031407.7(HUWE1):c.9788G>A (p.Ser3263Asn)

Gene: HUWE1 (HECT, UBA and WWE domain containing E3 ubiquitin protein ligase 1; minus strand). Cytogenetic location: Xp11.22.
Variant type: single nucleotide variant.
Coding change: c.9788G>A on transcript NM_031407.7 (MANE Select); coding-DNA position 9788, G replaced by A.
Protein change: p.Ser3263Asn; replaces serine 3263 with asparagine.
Molecular consequence: missense variant.
Genome position (GRCh38, 1-based): chrX:53,549,206, C>T on the plus strand (G>A on the coding strand, the complement: HUWE1 is on the minus strand). VCF-style: chrX-53549206-C-T. GRCh37 (hg19) VCF-style: chrX-53576167-C-T.
Other names: short protein forms S3263N.
Identifiers: ClinVar variation 1303215 (VCV001303215.2), dbSNP rs2147249505, ClinGen allele CA413137456.
Genomic context (GRCh38, chrX:53,549,206, plus strand): 5'-AGCTGGTTGGAGCTCTTTGACTCCATCTTGTGTAGCAGGTCCAGGGGACGGTTCTCATGG[C>T]TACTTGACCCACAGCTCTTGCTCGACTTTTTGCCCTTTTCCTCACTTGTAGTGAGTTTGG-3'
Protein context (NP_113584.3, residues 3253-3273): KKSSKSCGSS[Ser3263Asn]HENRPLDLLH